The following is an entry in ClinVar:

ClinVar aggregate classification (germline): Uncertain significance (1 of 4 stars; one submission).

Conditions:
PHGDH deficiency. Identifiers: Orphanet 79351, MedGen C1866174, MONDO:0011152, OMIM 601815.

Allele frequency attached by ClinVar (database versions not stated): gnomAD exomes below 0.00001.
gnomAD v4.1: 4 of 1,614,078 alleles (0.00025%); highest among the groups gnomAD compares: Non-Finnish European, 0.00034%; no homozygotes.

Submission:

Labcorp Genetics (formerly Invitae), Labcorp
Classification: Uncertain significance for PHGDH deficiency. Last evaluated: 2022-11-01. Review status: criteria provided, single submitter. Criteria: Invitae Variant Classification Sherloc (09022015). Collection method: clinical testing. Allele origin: germline.
Comment: This variant is not present in population databases (gnomAD no frequency). This variant has not been reported in the literature in individuals affected with PHGDH-related conditions. Variants that disrupt the consensus splice site are a relatively common cause of aberrant splicing (PMID: 17576681, 9536098). Algorithms developed to predict the effect of sequence changes on RNA splicing suggest that this variant is not likely to affect RNA splicing. In summary, the available evidence is currently insufficient to determine the role of this variant in disease. Therefore, it has been classified as a Variant of Uncertain Significance. This sequence change falls in intron 4 of the PHGDH gene. It does not directly change the encoded amino acid sequence of the PHGDH protein. It affects a nucleotide within the consensus splice site.

Literature cited by the submitters: PubMed 17576681; PubMed 9536098.

NM_006623.4(PHGDH):c.411+3G>A

Gene: PHGDH (phosphoglycerate dehydrogenase; plus strand). Cytogenetic location: 1p12.
Variant type: single nucleotide variant.
Coding change: c.411+3G>A on transcript NM_006623.4 (MANE Select); 3 bases into the intron after coding-DNA position 411, G replaced by A.
Molecular consequence: intron variant.
Genome position (GRCh38, 1-based): chr1:119,726,908, G>A. VCF-style: chr1-119726908-G-A. GRCh37 (hg19) VCF-style: chr1-120269531-G-A.
Identifiers: ClinVar variation 2199778 (VCV002199778.4), dbSNP rs1651449002, ClinGen allele CA1192431750.